The following is an entry in ClinVar:

NM_000179.3(MSH6):c.3539C>G (p.Ser1180Ter)

Gene: MSH6 (mutS homolog 6; plus strand). Cytogenetic location: 2p16.3.
Variant type: single nucleotide variant.
Coding change: c.3539C>G on transcript NM_000179.3 (MANE Select); coding-DNA position 3539, C replaced by G.
Protein change: p.Ser1180Ter; replaces serine 1180 with a stop codon.
Molecular consequence: nonsense.
Genome position (GRCh38, 1-based): chr2:47,805,010, C>G. VCF-style: chr2-47805010-C-G. GRCh37 (hg19) VCF-style: chr2-48032149-C-G.
Other names: c.3149C>G, p.Ser1050Ter (NM_001281492.2); c.2633C>G, p.Ser878Ter (NM_001281493.2, NM_001281494.2); short protein forms S1180*, S878*, S1050*.
Identifiers: ClinVar variation 428296 (VCV000428296.12), dbSNP rs766905993, ClinGen allele CA071147.
Genomic context (GRCh38, chr2:47,805,010, plus strand): 5'-TCCCTGCTGAAGTGTGCAGGCTCACACCAATTGATAGAGTGTTTACTAGACTTGGTGCCT[C>G]AGACAGAATAATGTCAGGTGAGTTTTTTGTTTCCCACTTAAGTTCTCATTCAGTCATTTA-3'

ClinVar aggregate classification (germline): Pathogenic. Review status: criteria provided, multiple submitters, no conflicts (2 of 4 stars). 4 submissions from 4 submitters: Pathogenic (4). Last evaluated 2025-09-23.

Conditions:
Hereditary cancer-predisposing syndrome. Also called: Hereditary Cancer Syndrome; Neoplastic Syndromes, Hereditary; Hereditary neoplastic syndrome; Tumor predisposition. Identifiers: Orphanet 140162, MedGen C0027672, MeSH D009386, MONDO:0015356.
Hereditary nonpolyposis colorectal neoplasms. Identifiers: MedGen C0009405, MeSH D003123.
Lynch syndrome 5 (LYNCH5). Also called: Hereditary non-polyposis colorectal cancer, type 5; Colorectal cancer, hereditary nonpolyposis, type 5. Identifiers: Orphanet 144, MedGen C1833477, MONDO:0013710, OMIM 614350. Disease mechanism: loss of function.

Allele frequency attached by ClinVar (database versions not stated): gnomAD exomes below 0.00001; ExAC 0.00002.
gnomAD v4.1: 1 of 1,612,644 alleles (0.000062%); highest among the groups gnomAD compares: East Asian, 0.0022%; no homozygotes.

Submissions (4):

Ambry Genetics
Classification: Pathogenic for Hereditary cancer-predisposing syndrome. Last evaluated: 2025-09-23. Review status: criteria provided, single submitter. Criteria: Ambry Variant Classification Scheme 2023. Collection method: clinical testing. Allele origin: germline.
Comment: The p.S1180* pathogenic mutation (also known as c.3539C>G), located in coding exon 6 of the MSH6 gene, results from a C to G substitution at nucleotide position 3539. This changes the amino acid from a serine to a stop codon within coding exon 6. This alteration has been reported in a glioblastoma multiforme (GBM) cancer patient from The Cancer Genome Atlas cohort (Lu C et al. Nat Commun. 2015 Dec 22;6:10086; Huang KL et al. Cell, 2018 04;173:355-370.e14). In addition to the clinical data presented in the literature, this alteration is expected to result in loss of function by premature protein truncation or nonsense-mediated mRNA decay. As such, this alteration is interpreted as a disease-causing mutation.

Labcorp Genetics (formerly Invitae), Labcorp
Classification: Pathogenic for Hereditary nonpolyposis colorectal neoplasms. Last evaluated: 2023-10-05. Review status: criteria provided, single submitter. Criteria: Invitae Variant Classification Sherloc (09022015). Collection method: clinical testing. Allele origin: germline.
Comment: This sequence change creates a premature translational stop signal (p.Ser1180*) in the MSH6 gene. It is expected to result in an absent or disrupted protein product. Loss-of-function variants in MSH6 are known to be pathogenic (PMID: 18269114, 24362816). This variant is present in population databases (rs766905993, gnomAD 0.006%). This premature translational stop signal has been observed in individual(s) with glioblastoma (PMID: 26689913). ClinVar contains an entry for this variant (Variation ID: 428296). For these reasons, this variant has been classified as Pathogenic.

Myriad Genetics, Inc.
Classification: Pathogenic for Lynch syndrome 5. Last evaluated: 2023-08-24. Review status: criteria provided, single submitter. Criteria: Myriad Autosomal Dominant, Autosomal Recessive and X-Linked Classification Criteria (2023). Collection method: clinical testing. Allele origin: unknown.
Comment: This variant is considered pathogenic. This variant creates a termination codon and is predicted to result in premature protein truncation.

Centre for Mendelian Genomics, University Medical Centre Ljubljana
Classification: Pathogenic for Lynch syndrome 5. Last evaluated: 2022-12-09. Review status: criteria provided, single submitter. Criteria: ACMG Guidelines, 2015. Collection method: research. Allele origin: germline. Affected: no.
Comment: PVS1, PS4_SUP, PM2_SUP

Literature cited by the submitters: PubMed 26689913 (cited by Ambry Genetics and Labcorp Genetics (formerly Invitae), Labcorp); PubMed 29625052 (cited by Ambry Genetics); PubMed 32770442 (cited by Ambry Genetics); PubMed 18269114 (cited by Labcorp Genetics (formerly Invitae), Labcorp); PubMed 24362816 (cited by Labcorp Genetics (formerly Invitae), Labcorp).